The following is an entry in ClinVar:

NM_002872.5(RAC2):c.202C>T (p.Arg68Trp)

Gene: RAC2 (Rac family small GTPase 2; minus strand). Cytogenetic location: 22q13.1.
Variant type: single nucleotide variant.
Coding change: c.202C>T on transcript NM_002872.5 (MANE Select); coding-DNA position 202, C replaced by T.
Protein change: p.Arg68Trp; replaces arginine 68 with tryptophan.
Molecular consequence: missense variant.
Genome position (GRCh38, 1-based): chr22:37,232,824, G>A on the plus strand (C>T on the coding strand, the complement: RAC2 is on the minus strand). VCF-style: chr22-37232824-G-A. GRCh37 (hg19) VCF-style: chr22-37628864-G-A.
Other names: short protein forms R68W.
Identifiers: ClinVar variation 2055676 (VCV002055676.5), dbSNP rs151307781, ClinGen allele CA10217578.

ClinVar aggregate classification (germline): Uncertain significance. Review status: criteria provided, multiple submitters, no conflicts (2 of 4 stars). 2 submissions from 2 submitters: Uncertain significance (2). Last evaluated 2024-12-30.

Conditions:
Neutrophil immunodeficiency syndrome. Also called: Immunodeficiency 73A with defective neutrophil chemotaxis and leukocytosis. Identifiers: Orphanet 183707, MedGen C1842398, MONDO:0011988, OMIM 608203.

Allele frequency attached by ClinVar (database versions not stated): TOPMed below 0.00001; gnomAD 0.00001; ExAC 0.00002; ESP Exome Variant Server 0.00023.

Submissions (2):

Labcorp Genetics (formerly Invitae), Labcorp
Classification: Uncertain significance for Neutrophil immunodeficiency syndrome. Last evaluated: 2024-12-30. Review status: criteria provided, single submitter. Criteria: Invitae Variant Classification Sherloc (09022015). Collection method: clinical testing. Allele origin: germline.
Comment: This sequence change replaces arginine, which is basic and polar, with tryptophan, which is neutral and slightly polar, at codon 68 of the RAC2 protein (p.Arg68Trp). This variant is present in population databases (rs151307781, gnomAD 0.002%). This variant has not been reported in the literature in individuals affected with RAC2-related conditions. ClinVar contains an entry for this variant (Variation ID: 2055676). Invitae Evidence Modeling of protein sequence and biophysical properties (such as structural, functional, and spatial information, amino acid conservation, physicochemical variation, residue mobility, and thermodynamic stability) indicates that this missense variant is expected to disrupt RAC2 protein function with a positive predictive value of 95%. In summary, the available evidence is currently insufficient to determine the role of this variant in disease. Therefore, it has been classified as a Variant of Uncertain Significance.

Blueprint Genetics
Classification: Uncertain significance. Last evaluated: 2024-05-23. Review status: criteria provided, single submitter. Criteria: ACMG Guidelines, 2015. Collection method: clinical testing. Allele origin: germline.